The following is an entry in ClinVar:

NM_014625.4(NPHS2):c.535-1G>T

Gene: NPHS2 (NPHS2 stomatin family member, podocin; minus strand). Cytogenetic location: 1q25.2.
Variant type: single nucleotide variant.
Coding change: c.535-1G>T on transcript NM_014625.4 (MANE Select); the canonical splice acceptor site of the intron before coding-DNA position 535, G replaced by T.
Molecular consequence: splice acceptor variant. On other transcripts: intron variant (1).
Genome position (GRCh38, 1-based): chr1:179,557,231, C>A on the plus strand (G>T on the coding strand, the complement: NPHS2 is on the minus strand). VCF-style: chr1-179557231-C-A. GRCh37 (hg19) VCF-style: chr1-179526366-C-A.
Other names: c.534+2448G>T (NM_001297575.2).
Identifiers: ClinVar variation 504890 (VCV000504890.11), dbSNP rs1291398331, ClinGen allele CA343568421.

ClinVar aggregate classification (germline): Pathogenic/Likely pathogenic. Review status: criteria provided, multiple submitters, no conflicts (2 of 4 stars). 7 submissions from 7 submitters: Pathogenic (2); Likely pathogenic (2). 3 of the submissions do not count toward it. Last evaluated 2023-11-22.

Conditions:
NPHS2-related disorder. Also called: NPHS2-related condition.
Idiopathic nephrotic syndrome. Also called: Nephrotic syndrome, idiopathic, steroid-resistant. Identifiers: Orphanet 357502, MedGen C3496337, MONDO:0018170.
Familial idiopathic steroid-resistant nephrotic syndrome. Also called: Genetic Steroid-Resistant Nephrotic Syndrome. Identifiers: Orphanet 656, MedGen C4273714, MONDO:0019006.
Nephrotic syndrome, type 2 (NPHS2). Also called: NEPHROTIC SYNDROME, STEROID-RESISTANT, AUTOSOMAL RECESSIVE. Identifiers: Orphanet 656, MedGen C1868672, MONDO:0010974, OMIM 600995.
Steroid-resistant nephrotic syndrome. Identifiers: MedGen C0403397, MONDO:0044765, HP:0012588.

Allele frequency attached by ClinVar (database versions not stated): gnomAD exomes below 0.00001; TOPMed below 0.00001; gnomAD 0.00001.
gnomAD v4.1: 3 of 1,613,656 alleles (0.00019%); highest among the groups gnomAD compares: Non-Finnish European, 0.00025%; no homozygotes.

Submissions (7):

Baylor Genetics
Classification: Pathogenic for Nephrotic syndrome, type 2. Last evaluated: 2023-11-22. Review status: criteria provided, single submitter. Criteria: ACMG Guidelines, 2015. Collection method: clinical testing. Allele origin: unknown.

Genome-Nilou Lab
Classification: Likely pathogenic for Nephrotic syndrome, type 2. Last evaluated: 2023-04-11. Review status: criteria provided, single submitter. Criteria: ACMG Guidelines, 2015. Collection method: clinical testing. Allele origin: germline. Affected: no.

Women's Health and Genetics/Laboratory Corporation of America, LabCorp
Classification: Likely pathogenic for Idiopathic nephrotic syndrome. Last evaluated: 2022-08-19. Review status: criteria provided, single submitter. Criteria: LabCorp Variant Classification Summary - May 2015. Collection method: clinical testing. Allele origin: germline.
Comment: Variant summary: NPHS2 c.535-1G>T is located in a canonical splice-site and is predicted to affect mRNA splicing resulting in a significantly altered protein due to either exon skipping, shortening, or inclusion of intronic material. Several computational tools predict a significant impact on normal splicing: Four predict the variant abolishes a 3' acceptor site. However, these predictions have yet to be confirmed by functional studies. The variant was absent in 250718 control chromosomes (gnomAD). c.535-1G>T has been reported in the literature as a biallelic genotype in individuals affected with Steroid Resistant Nephrotic Syndrome (e.g. Karle_2002, Hocker_2006). These data indicate that the variant may be associated with disease. To our knowledge, no experimental evidence demonstrating an impact on protein function has been reported. Three ClinVar submitters have assessed the variant since 2014: all three classified the variant as pathogenic. Based on the evidence outlined above, the variant was classified as likely pathogenic.

Laboratory for Molecular Medicine, Mass General Brigham Personalized Medicine
Classification: Pathogenic for Familial idiopathic steroid-resistant nephrotic syndrome. Last evaluated: 2016-02-19. Review status: criteria provided, single submitter. Criteria: LMM Criteria. Collection method: clinical testing. Allele origin: germline. Inheritance: Autosomal recessive inheritance. Observed: 1 variant allele.
Comment: The c.535-1G>T variant in NPHS2 has been reported in 2 individuals with steroid- resistant nephrotic syndrome, one of whom was homozygous and one was compound he terozygous (Karle 2002, Hocker 2006). This variant was absent from large populat ion studies. This variant occurs in the invariant region (+/- 1/2) of the splice consensus sequence and is predicted to cause altered splicing leading to an abn ormal or absent protein. Loss of function of the NPHS2 gene is associated with i diopathic steroid-resistant nephrotic syndrome. In summary, this variant meets o ur criteria to be classified as pathogenic for idiopathic steroid-resistant neph rotic syndrome in an autosomal recessive manner.

PreventionGenetics, part of Exact Sciences
Classification: Pathogenic for NPHS2-related condition. Last evaluated: 2024-09-27. Review status: no assertion criteria provided. Collection method: clinical testing. Allele origin: germline. Not counted in ClinVar's aggregate classification.
Comment: The NPHS2 c.535-1G>T variant is predicted to disrupt the AG splice acceptor site and interfere with normal splicing. This variant was reported in the homozygous state or with a pathogenic variant in individuals with steroid resistant nephrotic syndrome (Karle et al. 2002. PubMed ID: 11805166; Supplementary Table 1, Zhu et al. 2022. PubMed ID: 35755072). This variant has not been reported in a large population database, indicating this variant is rare. Variants that disrupt the consensus splice acceptor site in NPHS2 are expected to be pathogenic. This variant is interpreted as pathogenic.

Natera, Inc.
Classification: Pathogenic for Steroid-resistant nephrotic syndrome. Last evaluated: 2020-09-16. Review status: no assertion criteria provided. Collection method: clinical testing. Allele origin: germline. Not counted in ClinVar's aggregate classification.

Counsyl
Classification: Pathogenic for Nephrotic syndrome, type 2. Last evaluated: 2017-03-09. Review status: no assertion criteria provided. Collection method: clinical testing. Allele origin: unknown. Not counted in ClinVar's aggregate classification.

Literature cited by the submitters: PubMed 11805166 (cited by 3 submitters); PubMed 24742477 (cited by Women's Health and Genetics/Laboratory Corporation of America, LabCorp); PubMed 30609409 (cited by Women's Health and Genetics/Laboratory Corporation of America, LabCorp); PubMed 16721582 (cited by 3 submitters); PubMed 14978175 (cited by Counsyl).